The following is an entry in ClinVar:

NM_018900.4(PCDHA1):c.2394+47113T>C

Genes: PCDHA1 (protocadherin alpha 1; plus strand), PCDHA2 (protocadherin alpha 2; plus strand), PCDHA3 (protocadherin alpha 3; plus strand), PCDHA4 (protocadherin alpha 4; plus strand), PCDHA5 (protocadherin alpha 5; plus strand) and 3 more. Cytogenetic location: 5q31.3.
Variant type: single nucleotide variant.
Coding change: c.2394+47113T>C on transcript NM_018900.4 (MANE Select); 47113 bases into the intron after coding-DNA position 2394, T replaced by C.
Molecular consequence: intron variant. On other transcripts: missense variant (2).
Genome position (GRCh38, 1-based): chr5:140,835,797, T>C. VCF-style: chr5-140835797-T-C. GRCh37 (hg19) VCF-style: chr5-140215382-T-C.
Other names: c.1414T>C, p.Cys472Arg (NM_018910.3, NM_031852.2); c.1602+47905T>C (NM_031411.3); c.2388+38445T>C (NM_018905.3); c.2394+32206T>C (NM_018906.3); c.2385+26225T>C (NM_018907.4); c.2352+11670T>C (NM_018908.3); c.2394+5312T>C (NM_018909.4); c.1602+6104T>C (NM_031849.3); short protein forms C472R.
Identifiers: ClinVar variation 2655764 (VCV002655764.22), dbSNP rs145155815, ClinGen allele CA3449080.

ClinVar aggregate classification (germline): Likely benign (1 of 4 stars; one submission).

Allele frequency attached by ClinVar (database versions not stated): TOPMed 0.00137; 1000 Genomes Project 30x 0.00141; gnomAD exomes 0.00219; gnomAD 0.00281.
gnomAD v4.1: 3,620 of 1,613,086 alleles (0.22%); highest among the groups gnomAD compares: Middle Eastern, 0.84%; 43 homozygotes.

Submission:

CeGaT Center for Human Genetics Tuebingen
Classification: Likely benign. Last evaluated: 2026-03-01. Review status: criteria provided, single submitter. Criteria: CeGaT Center For Human Genetics Tuebingen Variant Classification Criteria Version 2. Collection method: clinical testing. Allele origin: germline. Affected: yes. Observed: 4 variant alleles.
Comment: PCDHA1: BS2; PCDHA2: BS2; PCDHA3: BS2; PCDHA5: BS2; PCDHA6: BS2; PCDHA7: BP4, BS2